The following is an entry in ClinVar:

ClinVar aggregate classification (germline): Uncertain significance (1 of 4 stars; one submission).

Conditions:
KBG syndrome (KBGS). Also called: ANKRD11-Related KBG Syndrome. Identifiers: Orphanet 2332, MedGen C0220687, MONDO:0007846, OMIM 148050.

gnomAD v4.1: 13 of 1,607,292 alleles (0.00081%); highest among the groups gnomAD compares: Non-Finnish European, 0.0011%; no homozygotes.

Submission:

Labcorp Genetics (formerly Invitae), Labcorp
Classification: Uncertain significance for KBG syndrome. Last evaluated: 2025-04-01. Review status: criteria provided, single submitter. Criteria: Invitae Variant Classification Sherloc (09022015). Collection method: clinical testing. Allele origin: germline.
Comment: This sequence change replaces alanine, which is neutral and non-polar, with serine, which is neutral and polar, at codon 2088 of the ANKRD11 protein (p.Ala2088Ser). This variant is present in population databases (rs753691962, gnomAD 0.003%). This variant has not been reported in the literature in individuals affected with ANKRD11-related conditions. ClinVar contains an entry for this variant (Variation ID: 2075599). Invitae Evidence Modeling of protein sequence and biophysical properties (such as structural, functional, and spatial information, amino acid conservation, physicochemical variation, residue mobility, and thermodynamic stability) indicates that this missense variant is not expected to disrupt ANKRD11 protein function with a negative predictive value of 95%. In summary, the available evidence is currently insufficient to determine the role of this variant in disease. Therefore, it has been classified as a Variant of Uncertain Significance.

NM_013275.6(ANKRD11):c.6262G>T (p.Ala2088Ser)

Gene: ANKRD11 (ankyrin repeat domain 11; minus strand). Cytogenetic location: 16q24.3.
Variant type: single nucleotide variant.
Coding change: c.6262G>T on transcript NM_013275.6 (MANE Select); coding-DNA position 6262, G replaced by T.
Protein change: p.Ala2088Ser; replaces alanine 2088 with serine.
Molecular consequence: missense variant.
Genome position (GRCh38, 1-based): chr16:89,280,280, C>A on the plus strand (G>T on the coding strand, the complement: ANKRD11 is on the minus strand). VCF-style: chr16-89280280-C-A. GRCh37 (hg19) VCF-style: chr16-89346688-C-A.
Other names: c.6262G>T, p.Ala2088Ser (NM_001256182.2, NM_001256183.2); short protein forms A2088S.
Identifiers: ClinVar variation 2075599 (VCV002075599.4), dbSNP rs753691962, ClinGen allele CA8241514.